The following is an entry in ClinVar:

NM_024675.4(PALB2):c.704C>T (p.Thr235Ile)

Gene: PALB2 (partner and localizer of BRCA2; minus strand). Cytogenetic location: 16p12.2.
Variant type: single nucleotide variant.
Coding change: c.704C>T on transcript NM_024675.4 (MANE Select); coding-DNA position 704, C replaced by T.
Protein change: p.Thr235Ile; replaces threonine 235 with isoleucine.
Molecular consequence: missense variant.
Genome position (GRCh38, 1-based): chr16:23,635,842, G>A on the plus strand (C>T on the coding strand, the complement: PALB2 is on the minus strand). VCF-style: chr16-23635842-G-A. GRCh37 (hg19) VCF-style: chr16-23647163-G-A.
Other names: short protein forms T235I.
Identifiers: ClinVar variation 461017 (VCV000461017.20), dbSNP rs1385914265, ClinGen allele CA395136361.

ClinVar aggregate classification (germline): Uncertain significance. Review status: criteria provided, multiple submitters, no conflicts (2 of 4 stars). 3 submissions from 3 submitters: Uncertain significance (3). Last evaluated 2025-01-14.

Conditions:
Familial cancer of breast. Also called: BREAST CANCER, FAMILIAL; Hereditary breast cancer; hereditary breast carcinoma. Identifiers: Orphanet 227535, MedGen C0346153, MONDO:0016419, OMIM 114480. Disease mechanism: loss of function.
Hereditary cancer-predisposing syndrome. Also called: Neoplastic Syndromes, Hereditary; Hereditary Cancer Syndrome; Hereditary neoplastic syndrome; Tumor predisposition. Identifiers: Orphanet 140162, MedGen C0027672, MeSH D009386, MONDO:0015356.

gnomAD v4.1: 6 of 1,614,162 alleles (0.00037%); highest among the groups gnomAD compares: Non-Finnish European, 0.00042%; no homozygotes.

Submissions (3):

Labcorp Genetics (formerly Invitae), Labcorp
Classification: Uncertain significance for Familial cancer of breast. Last evaluated: 2025-01-14. Review status: criteria provided, single submitter. Criteria: Invitae Variant Classification Sherloc (09022015). Collection method: clinical testing. Allele origin: germline.
Comment: This sequence change replaces threonine, which is neutral and polar, with isoleucine, which is neutral and non-polar, at codon 235 of the PALB2 protein (p.Thr235Ile). This variant is not present in population databases (gnomAD no frequency). This variant has not been reported in the literature in individuals affected with PALB2-related conditions. ClinVar contains an entry for this variant (Variation ID: 461017). An algorithm developed to predict the effect of missense changes on protein structure and function outputs the following: PolyPhen-2: "Benign". The isoleucine amino acid residue is found in multiple mammalian species, which suggests that this missense change does not adversely affect protein function. In summary, the available evidence is currently insufficient to determine the role of this variant in disease. Therefore, it has been classified as a Variant of Uncertain Significance.

Ambry Genetics
Classification: Uncertain significance for Hereditary cancer-predisposing syndrome. Last evaluated: 2024-04-11. Review status: criteria provided, single submitter. Criteria: Ambry Variant Classification Scheme 2023. Collection method: clinical testing. Allele origin: germline.
Comment: The p.T235I variant (also known as c.704C>T), located in coding exon 4 of the PALB2 gene, results from a C to T substitution at nucleotide position 704. The threonine at codon 235 is replaced by isoleucine, an amino acid with similar properties. This amino acid position is not well conserved in available vertebrate species. In addition, this alteration is predicted to be tolerated by in silico analysis. Since supporting evidence is limited at this time, the clinical significance of this alteration remains unclear.

Color Diagnostics, LLC DBA Color Health
Classification: Uncertain significance for Hereditary cancer-predisposing syndrome. Last evaluated: 2023-12-04. Review status: criteria provided, single submitter. Criteria: ACMG Guidelines, 2015. Collection method: clinical testing. Allele origin: germline.
Comment: This missense variant replaces threonine with isoleucine at codon 235 of the PALB2 protein. Computational prediction suggests that this variant may not impact protein structure and function (internally defined REVEL score threshold <= 0.5, PMID: 27666373). To our knowledge, functional studies have not been reported for this variant. This variant has not been reported in individuals affected with PALB2-related disorders in the literature. This variant has not been identified in the general population by the Genome Aggregation Database (gnomAD). The available evidence is insufficient to determine the role of this variant in disease conclusively. Therefore, this variant is classified as a Variant of Uncertain Significance.